The following is an entry in ClinVar:

NM_004320.6(ATP2A1):c.2980+125G>T

Gene: ATP2A1 (ATPase sarcoplasmic/endoplasmic reticulum Ca2+ transporting 1; plus strand). Cytogenetic location: 16p11.2.
Variant type: single nucleotide variant.
Coding change: c.2980+125G>T on transcript NM_004320.6 (MANE Select); 125 bases into the intron after coding-DNA position 2980, G replaced by T.
Molecular consequence: intron variant.
Genome position (GRCh38, 1-based): chr16:28,903,565, G>T. VCF-style: chr16-28903565-G-T. GRCh37 (hg19) VCF-style: chr16-28914886-G-T.
Other names: c.2980+125G>T (NM_173201.5); c.2605+125G>T (NM_001286075.2).
Identifiers: ClinVar variation 678427 (VCV000678427.2), dbSNP rs111268124, ClinGen allele CA279245204.

ClinVar aggregate classification (germline): Benign. Review status: criteria provided, multiple submitters, no conflicts (2 of 4 stars). 2 submissions from 2 submitters: Benign (2). Last evaluated 2018-06-16.

Allele frequency attached by ClinVar (database versions not stated): gnomAD 0.04912; 1000 Genomes Project 0.05591; 1000 Genomes Project 30x 0.05887; TOPMed 0.05899.
gnomAD v4.1: 13,562 of 1,176,384 alleles (1.2%); highest among the groups gnomAD compares: African/African-American, 19%; 1,134 homozygotes.

Submissions (2):

GeneDx
Classification: Benign. Last evaluated: 2018-06-16. Review status: criteria provided, single submitter. Criteria: GeneDx Variant Classification (06012015). Collection method: clinical testing. Allele origin: germline. Affected: yes.
Comment: This variant is considered likely benign or benign based on one or more of the following criteria: it is a conservative change, it occurs at a poorly conserved position in the protein, it is predicted to be benign by multiple in silico algorithms, and/or has population frequency not consistent with disease.

Breakthrough Genomics
Classification: Benign. Review status: criteria provided, single submitter. Criteria: ACMG Guidelines, 2015. Collection method: not provided. Allele origin: germline. Inheritance: Autosomal recessive inheritance. Affected: yes.